The following is an entry in ClinVar:

ClinVar aggregate classification (germline): Uncertain significance (0 of 4 stars; one submission).

Conditions:
CBL-related disorder. Also called: CBL MUTATION-ASSOCIATED SYNDROME; CBL SYNDROME; NOONAN SYNDROME-LIKE DISORDER WITHOUT JUVENILE MYELOMONOCYTIC LEUKEMIA. Identifiers: Orphanet 363972, MedGen C3150803, MONDO:0013308, OMIM 613563.

Submission:

PreventionGenetics, part of Exact Sciences
Classification: Uncertain significance for CBL-related condition. Last evaluated: 2024-04-04. Review status: no assertion criteria provided. Collection method: clinical testing. Allele origin: germline.
Comment: The CBL c.2202G>A variant is predicted to result in the amino acid substitution p.Met734Ile. To our knowledge, this variant has not been reported in the literature or in a large population database, indicating this variant is rare. At this time, the clinical significance of this variant is uncertain due to the absence of conclusive functional and genetic evidence.

NM_005188.4(CBL):c.2202G>A (p.Met734Ile)

Gene: CBL (Cbl proto-oncogene; plus strand). Cytogenetic location: 11q23.3.
Variant type: single nucleotide variant.
Coding change: c.2202G>A on transcript NM_005188.4 (MANE Select); coding-DNA position 2202, G replaced by A.
Protein change: p.Met734Ile; replaces methionine 734 with isoleucine.
Molecular consequence: missense variant.
Genome position (GRCh38, 1-based): chr11:119,297,432, G>A. VCF-style: chr11-119297432-G-A. GRCh37 (hg19) VCF-style: chr11-119168142-G-A.
Other names: short protein forms M734I.
Identifiers: ClinVar variation 3348452 (VCV003348452.1).